The following is an entry in ClinVar:

GRCh38/hg38 1p36.33-36.23(chr1:82154-7350122)x1

Genes: ACAP3 (ArfGAP with coiled-coil, ankyrin repeat and PH domains 3; minus strand), ACOT7 (acyl-CoA thioesterase 7; minus strand), ACTRT2 (actin related protein T2; plus strand), AGRN (agrin; plus strand), AJAP1 (adherens junctions associated protein 1; plus strand) and 465 more. Cytogenetic location: 1p36.33-36.23.
Variant type: copy number loss.
Change: copy number 1 (one copy instead of two) of chr1:82,154-7,350,122 (7.27 Mb, GRCh38 coordinates, 1-based), cytogenetic band 1p36.33-36.23.
Identifiers: ClinVar variation 4852053 (VCV004852053.1).

ClinVar aggregate classification (germline): Pathogenic (1 of 4 stars; one submission).

Submission:

Clinical Genomics Laboratory, Laboratory for Precision Diagnostics, University of Washington
Classification: Pathogenic. Last evaluated: 2022-07-31. Review status: criteria provided, single submitter. Criteria: ACMG/ClinGen CNV Guidelines, 2019. Collection method: clinical testing. Allele origin: unknown. Affected: yes. Observed: 1 variant allele.
Comment: This deletion includes the critical region for 1p36 distal deletion syndrome (OMIM# 607872).

Literature cited by the submitters: PubMed 17918734; PubMed 31172545; PubMed 12974736; PubMed 12687501; PubMed 26345263; PubMed 31446820.